The following is an entry in ClinVar:

NM_014000.3(VCL):c.875G>T (p.Gly292Val)

Gene: VCL (vinculin; plus strand). Cytogenetic location: 10q22.2.
Variant type: single nucleotide variant.
Coding change: c.875G>T on transcript NM_014000.3 (MANE Select); coding-DNA position 875, G replaced by T.
Protein change: p.Gly292Val; replaces glycine 292 with valine.
Molecular consequence: missense variant.
Genome position (GRCh38, 1-based): chr10:74,083,366, G>T. VCF-style: chr10-74083366-G-T. GRCh37 (hg19) VCF-style: chr10-75843124-G-T.
Other names: c.875G>T, p.Gly292Val (NM_003373.4); c.875G>T (NM_014000.2); short protein forms G292V.
Identifiers: ClinVar variation 1437525 (VCV001437525.9), dbSNP rs763330709, ClinGen allele CA377269992.
Genomic context (GRCh38, chr10:74,083,366, plus strand): 5'-TATCCTCTCTAAATAATGAATGTGTCAACAATGTAGTTATTGAATATCTCTTTATTTTAG[G>T]GGATGCTGGTGAGCAGGCCATCAGACAGATCTTAGATGAAGCTGGAAAAGTTGGTGAACT-3'
Protein context (NP_054706.1, residues 282-302): GWLRDPSASP[Gly292Val]DAGEQAIRQI

ClinVar aggregate classification (germline): Uncertain significance. Review status: criteria provided, multiple submitters, no conflicts (2 of 4 stars). 2 submissions from 2 submitters: Uncertain significance (2). Last evaluated 2023-12-11.

Conditions:
Dilated cardiomyopathy 1W (CMD1W). Identifiers: Orphanet 154, MedGen C1969639, MONDO:0012667, OMIM 611407.

Allele frequency attached by ClinVar (database versions not stated): TOPMed below 0.00001.

Submissions (2):

Labcorp Genetics (formerly Invitae), Labcorp
Classification: Uncertain significance for Dilated cardiomyopathy 1W. Last evaluated: 2023-12-11. Review status: criteria provided, single submitter. Criteria: Invitae Variant Classification Sherloc (09022015). Collection method: clinical testing. Allele origin: germline.
Comment: This sequence change replaces glycine, which is neutral and non-polar, with valine, which is neutral and non-polar, at codon 292 of the VCL protein (p.Gly292Val). This variant is not present in population databases (gnomAD no frequency). This variant has not been reported in the literature in individuals affected with VCL-related conditions. ClinVar contains an entry for this variant (Variation ID: 1437525). An algorithm developed to predict the effect of missense changes on protein structure and function (PolyPhen-2) suggests that this variant is likely to be disruptive. In summary, the available evidence is currently insufficient to determine the role of this variant in disease. Therefore, it has been classified as a Variant of Uncertain Significance.

Revvity Omics, Revvity
Classification: Uncertain significance. Last evaluated: 2021-06-21. Review status: criteria provided, single submitter. Criteria: ACMG Guidelines, 2015. Collection method: clinical testing. Allele origin: germline.